The following is an entry in ClinVar:

ClinVar aggregate classification (germline): Uncertain significance (1 of 4 stars; one submission).

Allele frequency attached by ClinVar (database versions not stated): gnomAD 0.00001; gnomAD exomes 0.00001; TOPMed 0.00001; ExAC 0.00002.
gnomAD v4.1: 6 of 1,613,878 alleles (0.00037%); highest among the groups gnomAD compares: Admixed American, 0.01%; no homozygotes.

Submission:

Labcorp Genetics (formerly Invitae), Labcorp
Classification: Uncertain significance. Last evaluated: 2023-03-03. Review status: criteria provided, single submitter. Criteria: Invitae Variant Classification Sherloc (09022015). Collection method: clinical testing. Allele origin: germline.
Comment: In summary, the available evidence is currently insufficient to determine the role of this variant in disease. Therefore, it has been classified as a Variant of Uncertain Significance. Experimental studies have shown that this missense change does not substantially affect LRP6 function (PMID: 25546815). Advanced modeling of protein sequence and biophysical properties (such as structural, functional, and spatial information, amino acid conservation, physicochemical variation, residue mobility, and thermodynamic stability) performed at Invitae indicates that this missense variant is not expected to disrupt LRP6 protein function. This variant has not been reported in the literature in individuals affected with LRP6-related conditions. This variant is present in population databases (rs779305959, gnomAD 0.01%). This sequence change replaces proline, which is neutral and non-polar, with leucine, which is neutral and non-polar, at codon 1482 of the LRP6 protein (p.Pro1482Leu).

Literature cited by the submitters: PubMed 25546815.

NM_002336.3(LRP6):c.4445C>T (p.Pro1482Leu)

Gene: LRP6 (LDL receptor related protein 6; minus strand). Cytogenetic location: 12p13.2.
Variant type: single nucleotide variant.
Coding change: c.4445C>T on transcript NM_002336.3 (MANE Select); coding-DNA position 4445, C replaced by T.
Protein change: p.Pro1482Leu; replaces proline 1482 with leucine.
Molecular consequence: missense variant. On other transcripts: non-coding transcript variant (1).
Genome position (GRCh38, 1-based): chr12:12,125,300, G>A on the plus strand (C>T on the coding strand, the complement: LRP6 is on the minus strand). VCF-style: chr12-12125300-G-A. GRCh37 (hg19) VCF-style: chr12-12278234-G-A.
Other names: c.4538C>T, p.Pro1513Leu (NM_001414244.1); c.4445C>T, p.Pro1482Leu (NM_001414245.1, NM_001414248.1, NM_001414249.1 and 1 more transcripts); c.4310C>T, p.Pro1437Leu (NM_001414246.1); c.4247C>T, p.Pro1416Leu (NM_001414247.1); c.4082C>T, p.Pro1361Leu (NM_001414251.1); c.3992C>T, p.Pro1331Leu (NM_001414252.1, NM_001414253.1, NM_001414254.1); c.3938C>T, p.Pro1313Leu (NM_001414255.1); short protein forms P1313L, P1482L, P1331L, P1361L, P1513L, P1416L, P1437L.
Identifiers: ClinVar variation 2714945 (VCV002714945.3), dbSNP rs779305959, ClinGen allele CA6454958.